The following is an entry in ClinVar:

ClinVar aggregate classification (germline): Uncertain significance (1 of 4 stars; one submission).

Conditions:
Xeroderma pigmentosum, group F (XPF). Also called: XERODERMA PIGMENTOSUM, TYPE F; Xeroderma pigmentosum, type 6; XERODERMA PIGMENTOSUM, COMPLEMENTATION GROUP F; ERCC4-Related Xeroderma Pigmentosum; XERODERMA PIGMENTOSUM VI; XP, GROUP F. Identifiers: MedGen C0268140, MONDO:0010215, OMIM 278760.
Cockayne syndrome. Identifiers: Orphanet 191, MedGen C0009207, MONDO:0016006.
Fanconi anemia complementation group Q. Identifiers: Orphanet 84, MedGen C3808988, MONDO:0014108, OMIM 615272.

Submission:

Labcorp Genetics (formerly Invitae), Labcorp
Classification: Uncertain significance for Fanconi anemia complementation group Q; Xeroderma pigmentosum, group F; Cockayne syndrome. Last evaluated: 2021-12-19. Review status: criteria provided, single submitter. Criteria: Invitae Variant Classification Sherloc (09022015). Collection method: clinical testing. Allele origin: germline.
Comment: This sequence change replaces lysine, which is basic and polar, with glutamine, which is neutral and polar, at codon 817 of the ERCC4 protein (p.Lys817Gln). This variant is not present in population databases (gnomAD no frequency). This variant has not been reported in the literature in individuals affected with ERCC4-related conditions. Algorithms developed to predict the effect of missense changes on protein structure and function (SIFT, PolyPhen-2, Align-GVGD) all suggest that this variant is likely to be disruptive. In summary, the available evidence is currently insufficient to determine the role of this variant in disease. Therefore, it has been classified as a Variant of Uncertain Significance.

NM_005236.3(ERCC4):c.2449A>C (p.Lys817Gln)

Gene: ERCC4 (ERCC excision repair 4, endonuclease catalytic subunit; plus strand). Cytogenetic location: 16p13.12.
Variant type: single nucleotide variant.
Coding change: c.2449A>C on transcript NM_005236.3 (MANE Select); coding-DNA position 2449, A replaced by C.
Protein change: p.Lys817Gln; replaces lysine 817 with glutamine.
Molecular consequence: missense variant.
Genome position (GRCh38, 1-based): chr16:13,948,045, A>C. VCF-style: chr16-13948045-A-C. GRCh37 (hg19) VCF-style: chr16-14041902-A-C.
Other names: short protein forms K817Q.
Identifiers: ClinVar variation 2048778 (VCV002048778.4), dbSNP rs2543196321, ClinGen allele CA394823873.